The following is an entry in ClinVar:

ClinVar aggregate classification (germline): Likely benign. Review status: criteria provided, single submitter (1 of 4 stars). 2 submissions from 2 submitters: Likely benign (1). 1 of the submissions does not count toward it. Last evaluated 2024-09-12.

Conditions:
ARMC5-related disorder. Also called: ARMC5-related condition.

gnomAD v4.1: 351 of 1,613,674 alleles (0.022%); highest among the groups gnomAD compares: Non-Finnish European, 0.027%; no homozygotes.

Submissions (2):

Blueprint Genetics
Classification: Likely benign. Last evaluated: 2024-09-12. Review status: criteria provided, single submitter. Criteria: ACMG Guidelines, 2015. Collection method: clinical testing. Allele origin: germline.

PreventionGenetics, part of Exact Sciences
Classification: Likely benign for ARMC5-related condition. Last evaluated: 2024-08-13. Review status: no assertion criteria provided. Collection method: clinical testing. Allele origin: germline. Not counted in ClinVar's aggregate classification.
Comment: This variant is classified as likely benign based on ACMG/AMP sequence variant interpretation guidelines (Richards et al. 2015 PMID: 25741868, with internal and published modifications).

NM_001105247.2(ARMC5):c.2244C>T (p.Pro748=)

Gene: ARMC5 (armadillo repeat containing 5; plus strand). Cytogenetic location: 16p11.2.
Variant type: single nucleotide variant.
Coding change: c.2244C>T on transcript NM_001105247.2 (MANE Select); coding-DNA position 2244, C replaced by T.
Protein change: p.Pro748=; no amino-acid change (proline 748 retained).
Molecular consequence: synonymous variant. On other transcripts: 3 prime UTR variant (1).
Genome position (GRCh38, 1-based): chr16:31,466,325, C>T. VCF-style: chr16-31466325-C-T. GRCh37 (hg19) VCF-style: chr16-31477646-C-T.
Other names: c.2529C>T, p.Pro843= (NM_001288767.2); c.2340C>T, p.Pro780= (NM_001301820.1); c.*1124C>T (NM_024742.2).
Identifiers: ClinVar variation 3352143 (VCV003352143.2).